The following is an entry in ClinVar:

NM_177965.4(CFAP418):c.17A>G (p.Asp6Gly)

Genes: CFAP418-AS1 (CFAP418 antisense RNA 1; plus strand), CFAP418 (cilia and flagella associated protein 418; minus strand), LOC130000784 (ATAC-STARR-seq lymphoblastoid active region 27655; plus strand). Cytogenetic location: 8q22.1.
Variant type: single nucleotide variant.
Coding change: c.17A>G on transcript NM_177965.4 (MANE Select); coding-DNA position 17, A replaced by G.
Protein change: p.Asp6Gly; replaces aspartic acid 6 with glycine.
Molecular consequence: missense variant.
Genome position (GRCh38, 1-based): chr8:95,269,173, T>C on the plus strand (A>G on the coding strand, the complement: CFAP418 is on the minus strand). VCF-style: chr8-95269173-T-C. GRCh37 (hg19) VCF-style: chr8-96281401-T-C.
Other names: c.17A>G, p.Asp6Gly (NM_001363260.1); short protein forms D6G.
Identifiers: ClinVar variation 851252 (VCV000851252.11), dbSNP rs747646631, ClinGen allele CA4815298.
Genomic context (GRCh38, chr8:95,269,173, plus strand): 5'-ATACCCCGTCTTAGAAGGTCAGGTGTGCAAAACTTGGACTCGACTTCATCCAAGAGCTCG[T>C]CCAGGTCCTCCGCCATCTTGAATCGCCTGGCCTTTTCCCCTCCAATCGCCAAGGCTCCGG-3'
Protein context (NP_808880.1, residues 1-16): MAEDL[Asp6Gly]ELLDEVESKF

ClinVar aggregate classification (germline): Uncertain significance. Review status: criteria provided, multiple submitters, no conflicts (2 of 4 stars). 4 submissions from 4 submitters: Uncertain significance (4). Last evaluated 2025-10-08.

Conditions:
CFAP418-related disorder. Also called: CFAP418-related condition.

Allele frequency attached by ClinVar (database versions not stated): gnomAD 0.00001 and 0.00002; gnomAD exomes 0.00001; ExAC 0.00002; TOPMed 0.00003.
gnomAD v4.1: 5 of 1,614,064 alleles (0.00031%); highest among the groups gnomAD compares: African/African-American, 0.0053%; no homozygotes.

Submissions (4):

PreventionGenetics, part of Exact Sciences
Classification: Uncertain significance for CFAP418-related condition. Last evaluated: 2025-10-08. Review status: criteria provided, single submitter. Criteria: ACMG Guidelines, 2015. Collection method: clinical testing. Allele origin: germline.
Comment: The CFAP418 c.17A>G variant is predicted to result in the amino acid substitution p.Asp6Gly. To our knowledge, this variant has not been reported in the literature. This variant is reported in 0.0062% of alleles in individuals of African descent in gnomAD. At this time, the clinical significance of this variant is uncertain due to the absence of conclusive functional and genetic evidence.

Labcorp Genetics (formerly Invitae), Labcorp
Classification: Uncertain significance. Last evaluated: 2023-10-30. Review status: criteria provided, single submitter. Criteria: Invitae Variant Classification Sherloc (09022015). Collection method: clinical testing. Allele origin: germline.
Comment: This sequence change replaces aspartic acid, which is acidic and polar, with glycine, which is neutral and non-polar, at codon 6 of the C8orf37 protein (p.Asp6Gly). This variant is present in population databases (rs747646631, gnomAD 0.007%). This variant has not been reported in the literature in individuals affected with C8orf37-related conditions. ClinVar contains an entry for this variant (Variation ID: 851252). An algorithm developed to predict the effect of missense changes on protein structure and function (PolyPhen-2) suggests that this variant is likely to be disruptive. In summary, the available evidence is currently insufficient to determine the role of this variant in disease. Therefore, it has been classified as a Variant of Uncertain Significance.

Blueprint Genetics
Classification: Uncertain significance. Last evaluated: 2021-10-14. Review status: criteria provided, single submitter. Criteria: ACMG Guidelines, 2015. Collection method: clinical testing. Allele origin: germline.

Breakthrough Genomics
Classification: Uncertain significance. Review status: criteria provided, single submitter. Criteria: ACMG Guidelines, 2015. Collection method: not provided. Allele origin: germline. Inheritance: Autosomal recessive inheritance. Affected: yes.